The following is an entry in ClinVar:

NM_004006.3(DMD):c.7516A>G (p.Ile2506Val)

Gene: DMD (dystrophin; minus strand). Cytogenetic location: Xp21.1.
Variant type: single nucleotide variant.
Coding change: c.7516A>G on transcript NM_004006.3 (MANE Select); coding-DNA position 7516, A replaced by G.
Protein change: p.Ile2506Val; replaces isoleucine 2506 with valine.
Molecular consequence: missense variant.
Genome position (GRCh38, 1-based): chrX:31,773,986, T>C on the plus strand (A>G on the coding strand, the complement: DMD is on the minus strand). VCF-style: chrX-31773986-T-C. GRCh37 (hg19) VCF-style: chrX-31792103-T-C.
Other names: c.7492A>G, p.Ile2498Val (NM_000109.4); c.7504A>G, p.Ile2502Val (NM_004009.3); c.7147A>G, p.Ile2383Val (NM_004010.3); c.3493A>G, p.Ile1165Val (NM_004011.4); c.3484A>G, p.Ile1162Val (NM_004012.4); c.136A>G, p.Ile46Val (NM_004013.3, NM_004020.4, NM_004021.3 and 2 more transcripts); short protein forms I2506V, I2502V, I1162V, I1165V, I2383V, I2498V, I46V.
Identifiers: ClinVar variation 578535 (VCV000578535.11), dbSNP rs1048379601, ClinGen allele CA328470487.

ClinVar aggregate classification (germline): Uncertain significance. Review status: criteria provided, multiple submitters, no conflicts (2 of 4 stars). 3 submissions from 3 submitters: Uncertain significance (2). 1 of the submissions does not count toward it. Last evaluated 2026-04-28.

Conditions:
Cardiomyopathy (CMYO). Also called: Cardiomyopathies. Identifiers: Orphanet 167848, MedGen C0878544, MONDO:0004994, HP:0001638. Inheritance: Various modes of inheritance.
Duchenne muscular dystrophy (DMD). Also called: MUSCULAR DYSTROPHY, PSEUDOHYPERTROPHIC PROGRESSIVE, DUCHENNE TYPE; Duchenne Muscular Dystrophy (DMD). Identifiers: Orphanet 98896, MedGen C0013264, MONDO:0010679, OMIM 310200.
Becker muscular dystrophy (BMD). Also called: MUSCULAR DYSTROPHY, PSEUDOHYPERTROPHIC PROGRESSIVE, BECKER TYPE; Becker Muscular Dystrophy (BMD). Identifiers: Orphanet 98895, MedGen C0917713, MONDO:0010311, OMIM 300376.
Dystrophin deficiency.
Cardiovascular phenotype. Identifiers: MedGen CN230736.

Allele frequency attached by ClinVar (database versions not stated): gnomAD 0.00002 and 0.00001; gnomAD exomes below 0.00001; TOPMed below 0.00001.
gnomAD v4.1: 2 of 1,205,881 alleles (0.00017%); highest among the groups gnomAD compares: African/African-American, 0.0036%; no homozygotes.

Submissions (3):

Ambry Genetics
Classification: Uncertain significance for Cardiovascular phenotype. Last evaluated: 2026-04-28. Review status: criteria provided, single submitter. Criteria: Ambry Variant Classification Scheme 2023. Collection method: clinical testing. Allele origin: germline.

Labcorp Genetics (formerly Invitae), Labcorp
Classification: Uncertain significance for Duchenne muscular dystrophy. Last evaluated: 2025-07-30. Review status: criteria provided, single submitter. Criteria: Invitae Variant Classification Sherloc (09022015). Collection method: clinical testing. Allele origin: germline.
Comment: This sequence change replaces isoleucine, which is neutral and non-polar, with valine, which is neutral and non-polar, at codon 2506 of the DMD protein (p.Ile2506Val). This variant is not present in population databases (gnomAD no frequency). This variant has not been reported in the literature in individuals affected with DMD-related conditions. ClinVar contains an entry for this variant (Variation ID: 578535). Invitae Evidence Modeling of protein sequence and biophysical properties (such as structural, functional, and spatial information, amino acid conservation, physicochemical variation, residue mobility, and thermodynamic stability) indicates that this missense variant is not expected to disrupt DMD protein function with a negative predictive value of 95%. In summary, the available evidence is currently insufficient to determine the role of this variant in disease. Therefore, it has been classified as a Variant of Uncertain Significance.

Natera, Inc.
Classification: Uncertain significance for Becker muscular dystrophy; Cardiomyopathy; Duchenne muscular dystrophy; Dystrophin deficiency. Last evaluated: 2020-07-01. Review status: no assertion criteria provided. Collection method: clinical testing. Allele origin: germline. Not counted in ClinVar's aggregate classification.